The following is an entry in ClinVar:

ClinVar aggregate classification (germline): Uncertain significance (1 of 4 stars; one submission).

Conditions:
Tuberous sclerosis 1 (TSC1). Identifiers: Orphanet 805, MedGen C1854465, MONDO:0008612, OMIM 191100.

Submission:

Labcorp Genetics (formerly Invitae), Labcorp
Classification: Uncertain significance for Tuberous sclerosis 1. Last evaluated: 2022-08-16. Review status: criteria provided, single submitter. Criteria: Invitae Variant Classification Sherloc (09022015). Collection method: clinical testing. Allele origin: germline.
Comment: This variant has not been reported in the literature in individuals affected with TSC1-related conditions. In summary, the available evidence is currently insufficient to determine the role of this variant in disease. Therefore, it has been classified as a Variant of Uncertain Significance. Algorithms developed to predict the effect of missense changes on protein structure and function output the following: SIFT: "Tolerated"; PolyPhen-2: "Benign"; Align-GVGD: "Class C0". The histidine amino acid residue is found in multiple mammalian species, which suggests that this missense change does not adversely affect protein function. ClinVar contains an entry for this variant (Variation ID: 1042335). This variant is not present in population databases (gnomAD no frequency). This sequence change replaces tyrosine, which is neutral and polar, with histidine, which is basic and polar, at codon 312 of the TSC1 protein (p.Tyr312His).

NM_000368.5(TSC1):c.934T>C (p.Tyr312His)

Gene: TSC1 (TSC complex subunit 1; minus strand). Cytogenetic location: 9q34.13.
Variant type: single nucleotide variant.
Coding change: c.934T>C on transcript NM_000368.5 (MANE Select); coding-DNA position 934, T replaced by C.
Protein change: p.Tyr312His; replaces tyrosine 312 with histidine.
Molecular consequence: missense variant.
Genome position (GRCh38, 1-based): chr9:132,911,548, A>G on the plus strand (T>C on the coding strand, the complement: TSC1 is on the minus strand). VCF-style: chr9-132911548-A-G. GRCh37 (hg19) VCF-style: chr9-135786935-A-G.
Other names: c.934T>C, p.Tyr312His (NM_001162426.2); c.781T>C, p.Tyr261His (NM_001162427.2); c.571T>C, p.Tyr191His (NM_001362177.2); short protein forms Y191H, Y312H, Y261H.
Identifiers: ClinVar variation 1042335 (VCV001042335.10), dbSNP rs1845964220, ClinGen allele CA375368725.